The following is an entry in ClinVar:

NM_001206979.2(NR1H4):c.596C>T (p.Thr199Ile)

Gene: NR1H4 (nuclear receptor subfamily 1 group H member 4; plus strand). Cytogenetic location: 12q23.1.
Variant type: single nucleotide variant.
Coding change: c.596C>T on transcript NM_001206979.2 (MANE Select); coding-DNA position 596, C replaced by T.
Protein change: p.Thr199Ile; replaces threonine 199 with isoleucine.
Molecular consequence: missense variant. On other transcripts: intron variant (3).
Genome position (GRCh38, 1-based): chr12:100,532,608, C>T. VCF-style: chr12-100532608-C-T. GRCh37 (hg19) VCF-style: chr12-100926386-C-T.
Other names: c.596C>T, p.Thr199Ile (NM_001206977.2); c.626C>T, p.Thr209Ile (NM_001206993.2); c.586+10C>T (NM_005123.4); c.446-2282C>T (NM_001206978.2); c.616+10C>T (NM_001206992.2); short protein forms T199I, T209I.
Identifiers: ClinVar variation 3346504 (VCV003346504.1).
Genomic context (GRCh38, chr12:100,532,608, plus strand): 5'-GTCAAGAGTGTCGACTAAGGAAATGCAAAGAGATGGGAATGTTGGCTGAATGTATGTATA[C>T]AGGTATTCACTTCAAGCAATTACATTTCACTAAAAATCTCTTAAGGAGGCAGATGTCAGG-3'
Protein context (NP_001193908.1, residues 189-209): EMGMLAECMY[Thr199Ile]GLLTEIQCKS

ClinVar aggregate classification (germline): Uncertain significance (0 of 4 stars; one submission).

Conditions:
NR1H4-related disorder. Also called: NR1H4-related condition.

Submission:

PreventionGenetics, part of Exact Sciences
Classification: Uncertain significance for NR1H4-related condition. Last evaluated: 2024-06-01. Review status: no assertion criteria provided. Collection method: clinical testing. Allele origin: germline.
Comment: The NR1H4 c.626C>T variant is predicted to result in the amino acid substitution p.Thr209Ile. To our knowledge, this variant has not been reported in the literature or in a large population database, indicating this variant is rare. At this time, the clinical significance of this variant is uncertain due to the absence of conclusive functional and genetic evidence.